The following is an entry in ClinVar:

NM_000124.4(ERCC6):c.4039A>G (p.Thr1347Ala)

Gene: ERCC6 (ERCC excision repair 6, chromatin remodeling factor; minus strand). Cytogenetic location: 10q11.23.
Variant type: single nucleotide variant.
Coding change: c.4039A>G on transcript NM_000124.4 (MANE Select); coding-DNA position 4039, A replaced by G.
Protein change: p.Thr1347Ala; replaces threonine 1347 with alanine.
Molecular consequence: missense variant.
Genome position (GRCh38, 1-based): chr10:49,460,396, T>C on the plus strand (A>G on the coding strand, the complement: ERCC6 is on the minus strand). VCF-style: chr10-49460396-T-C. GRCh37 (hg19) VCF-style: chr10-50668442-T-C.
Other names: c.4039A>G, p.Thr1347Ala (NM_001346440.2); short protein forms T1347A.
Identifiers: ClinVar variation 1990064 (VCV001990064.32), dbSNP rs115633798, ClinGen allele CA5495200.

ClinVar aggregate classification (germline): Conflicting classifications of pathogenicity. Review status: criteria provided, conflicting classifications (1 of 4 stars). 5 submissions from 5 submitters: Uncertain significance (2); Likely benign (3). Last evaluated 2025-12-29.

Conditions:
Inborn genetic diseases. Identifiers: MedGen C0950123, MeSH D030342.

Allele frequency attached by ClinVar (database versions not stated): ExAC 0.00011; 1000 Genomes Project 30x 0.00016; 1000 Genomes Project 0.00020; ESP Exome Variant Server 0.00023; gnomAD 0.00025; TOPMed 0.00034.
gnomAD v4.1: 84 of 1,613,638 alleles (0.0052%); highest among the groups gnomAD compares: African/African-American, 0.076%; no homozygotes.

Submissions (6):

Labcorp Genetics (formerly Invitae), Labcorp
Classification: Likely benign. Last evaluated: 2025-12-29. Review status: criteria provided, single submitter. Criteria: Invitae Variant Classification Sherloc (09022015). Collection method: clinical testing. Allele origin: germline.

Ambry Genetics
Classification: Uncertain significance for Inborn genetic diseases. Last evaluated: 2025-12-16. Review status: criteria provided, single submitter. Criteria: Ambry Variant Classification Scheme 2023. Collection method: clinical testing. Allele origin: germline.

CeGaT Center for Human Genetics Tuebingen
Classification: Likely benign. Last evaluated: 2023-05-01. Review status: criteria provided, single submitter. Criteria: CeGaT Center For Human Genetics Tuebingen Variant Classification Criteria Version 2. Collection method: clinical testing. Allele origin: germline. Affected: yes. Observed: 1 variant allele.
Comment: ERCC6: BP4

GeneDx
Classification: Uncertain significance. Last evaluated: 2023-02-08. Review status: criteria provided, single submitter. Criteria: GeneDx Variant Classification Process June 2021. Collection method: clinical testing. Allele origin: germline. Affected: yes.
Comment: In silico analysis supports that this missense variant does not alter protein structure/function; Has not been previously published as pathogenic or benign to our knowledge

Blueprint Genetics
Classification: Likely benign. Last evaluated: 2022-10-04. Review status: criteria provided, single submitter. Criteria: ACMG Guidelines, 2015. Collection method: clinical testing. Allele origin: germline.

Dr. Peter K. Rogan Lab, Western University
No classification provided (evidence only). Condition: Thymoma. Review status: no classification provided. Collection method: in vitro. Allele origin: not applicable. Functional consequence: retained intron. Not counted in ClinVar's aggregate classification.